The following is an entry in ClinVar:

NM_002907.4(RECQL):c.331C>A (p.Leu111Ile)

Gene: RECQL (RecQ like helicase; minus strand). Cytogenetic location: 12p12.1.
Variant type: single nucleotide variant.
Coding change: c.331C>A on transcript NM_002907.4 (MANE Select); coding-DNA position 331, C replaced by A.
Protein change: p.Leu111Ile; replaces leucine 111 with isoleucine.
Molecular consequence: missense variant.
Genome position (GRCh38, 1-based): chr12:21,490,262, G>T on the plus strand (C>A on the coding strand, the complement: RECQL is on the minus strand). VCF-style: chr12-21490262-G-T. GRCh37 (hg19) VCF-style: chr12-21643196-G-T.
Other names: c.331C>A, p.Leu111Ile (NM_032941.3); short protein forms L111I.
Identifiers: ClinVar variation 3787922 (VCV003787922.1).

ClinVar aggregate classification (germline): Uncertain significance (1 of 4 stars; one submission).

gnomAD v4.1: 2 of 1,613,066 alleles (0.00012%); highest among the groups gnomAD compares: East Asian, 0.0022%; no homozygotes.

Submission:

Ambry Genetics
Classification: Uncertain significance. Last evaluated: 2025-02-15. Review status: criteria provided, single submitter. Criteria: Ambry Variant Classification Scheme 2023. Collection method: clinical testing. Allele origin: germline.
Comment: The p.L111I variant (also known as c.331C>A), located in coding exon 3 of the RECQL gene, results from a C to A substitution at nucleotide position 331. The leucine at codon 111 is replaced by isoleucine, an amino acid with highly similar properties. This amino acid position is conserved. In addition, this alteration is predicted to be tolerated by in silico analysis. Based on the available evidence, the clinical significance of this variant remains unclear.